The following is an entry in ClinVar:

NM_014384.3(ACAD8):c.*195G>C

Gene: ACAD8 (acyl-CoA dehydrogenase family member 8; plus strand). Cytogenetic location: 11q25.
Variant type: single nucleotide variant.
Coding change: c.*195G>C on transcript NM_014384.3 (MANE Select); 195 bases downstream of the stop codon, G replaced by C.
Molecular consequence: 3 prime UTR variant.
Genome position (GRCh38, 1-based): chr11:134,265,155, G>C. VCF-style: chr11-134265155-G-C. GRCh37 (hg19) VCF-style: chr11-134135049-G-C.
Identifiers: ClinVar variation 877415 (VCV000877415.8), dbSNP rs113572770, ClinGen allele CA231282364.

ClinVar aggregate classification (germline): Benign. Review status: criteria provided, multiple submitters, no conflicts (2 of 4 stars). 3 submissions from 3 submitters: Benign (3). Last evaluated 2021-05-10.

Conditions:
Deficiency of isobutyryl-CoA dehydrogenase. Also called: ACYL-CoA DEHYDROGENASE FAMILY, MEMBER 8, DEFICIENCY OF; IBD DEFICIENCY; ACAD8 DEFICIENCY. Identifiers: Orphanet 79159, MedGen C1969809, MONDO:0012648, OMIM 611283.

Allele frequency attached by ClinVar (database versions not stated): gnomAD 0.04485 and 0.04796; 1000 Genomes Project 0.04812; 1000 Genomes Project 30x 0.05137; TOPMed 0.05182.

Submissions (3):

GeneDx
Classification: Benign. Last evaluated: 2021-05-10. Review status: criteria provided, single submitter. Criteria: GeneDx Variant Classification Process June 2021. Collection method: clinical testing. Allele origin: germline. Affected: yes.

Illumina Laboratory Services, Illumina
Classification: Benign for Deficiency of isobutyryl-CoA dehydrogenase. Last evaluated: 2018-01-12. Review status: criteria provided, single submitter. Criteria: ICSL Variant Classification Criteria 13 December 2019. Collection method: clinical testing. Allele origin: germline.
Comment: This variant was observed in the ICSL laboratory as part of a predisposition screen in an ostensibly healthy population. It had not been previously curated by ICSL or reported in the Human Gene Mutation Database (HGMD: prior to June 1st, 2018), and was therefore a candidate for classification through an automated scoring system. Utilizing variant allele frequency, disease prevalence and penetrance estimates, and inheritance mode, an automated score was calculated to assess if this variant is too frequent to cause the disease. Based on the score and internal cut-off values, a variant classified as benign is not then subjected to further curation. The score for this variant resulted in a classification of benign for this disease.

Breakthrough Genomics
Classification: Benign. Review status: criteria provided, single submitter. Criteria: ACMG Guidelines, 2015. Collection method: not provided. Allele origin: germline. Inheritance: Autosomal recessive inheritance. Affected: yes.